The following is an entry in ClinVar:

ClinVar aggregate classification (germline): Benign (1 of 4 stars; one submission).

Allele frequency attached by ClinVar (database versions not stated): gnomAD 0.01791 and 0.01914; TOPMed 0.02054; 1000 Genomes Project 0.02057.
gnomAD v4.1: 2,704 of 152,238 alleles (1.8%); highest among the groups gnomAD compares: African/African-American, 6%; 92 homozygotes.

Submission:

GeneDx
Classification: Benign. Last evaluated: 2018-06-19. Review status: criteria provided, single submitter. Criteria: GeneDx Variant Classification (06012015). Collection method: clinical testing. Allele origin: germline. Affected: yes.
Comment: This variant is considered likely benign or benign based on one or more of the following criteria: it is a conservative change, it occurs at a poorly conserved position in the protein, it is predicted to be benign by multiple in silico algorithms, and/or has population frequency not consistent with disease.

NM_001271.4(CHD2):c.4692+199T>A

Gene: CHD2 (chromodomain helicase DNA binding protein 2; plus strand). Cytogenetic location: 15q26.1.
Variant type: single nucleotide variant.
Coding change: c.4692+199T>A on transcript NM_001271.4 (MANE Select); 199 bases into the intron after coding-DNA position 4692, T replaced by A.
Molecular consequence: intron variant.
Genome position (GRCh38, 1-based): chr15:93,012,643, T>A. VCF-style: chr15-93012643-T-A. GRCh37 (hg19) VCF-style: chr15-93555873-T-A.
Identifiers: ClinVar variation 677394 (VCV000677394.1), dbSNP rs78192422, ClinGen allele CA274886150.